The following is an entry in ClinVar:

ClinVar aggregate classification (germline): Uncertain significance. Review status: criteria provided, multiple submitters, no conflicts (2 of 4 stars). 6 submissions from 6 submitters: Uncertain significance (6). Last evaluated 2026-08-06.

Conditions:
Hereditary cancer-predisposing syndrome. Also called: Neoplastic Syndromes, Hereditary; Hereditary Cancer Syndrome; Tumor predisposition; Hereditary neoplastic syndrome. Identifiers: Orphanet 140162, MedGen C0027672, MeSH D009386, MONDO:0015356.
Hepatocellular carcinoma (HCC). Also called: Primary carcinoma of liver; HEPATOMA; LIVER CELL CARCINOMA. Identifiers: Orphanet 88673, MedGen C2239176, MONDO:0007256, OMIM 114550, HP:0001402.
Classic or attenuated familial adenomatous polyposis. Identifiers: MedGen CN372698, MONDO:0021057.
Familial adenomatous polyposis 1 (FAP1). Also called: POLYPOSIS, ADENOMATOUS INTESTINAL; FAMILIAL ADENOMATOUS POLYPOSIS 1, ATTENUATED. Identifiers: MedGen C2713442, MONDO:0021056, OMIM 175100. Disease mechanism: loss of function.

Submissions (6):

OLLIN Analises Genomicas, OLLIN
Classification: Uncertain significance for Hepatocellular carcinoma. Last evaluated: 2026-08-06. Review status: criteria provided, single submitter. Criteria: ACMG Guidelines 2015 PMID 25741868. Collection method: clinical testing. Allele origin: germline. Inheritance: Autosomal dominant inheritance.
Comment: This missense variant, located in exon 16 (of 16), is absent from gnomAD and has not been identified in the literature. However, it has been reported in ClinVar (accession VCV000630799.9). In silico analysis is inconclusive regarding the impact of this variant. This gene has high tolerance to missense variation. According to the currently available evidence, this variant has been classified as uncertain significance (PM2_P, BP1).

Ambry Genetics
Classification: Uncertain significance for Hereditary cancer-predisposing syndrome. Last evaluated: 2025-08-18. Review status: criteria provided, single submitter. Criteria: Ambry Variant Classification Scheme 2023. Collection method: clinical testing. Allele origin: germline.
Comment: The p.D1519G variant (also known as c.4556A>G), located in coding exon 15 of the APC gene, results from an A to G substitution at nucleotide position 4556. The aspartic acid at codon 1519 is replaced by glycine, an amino acid with similar properties. Missense alterations in APC are not a common cause of disease (Spier I et al. Genet Med. 2024 Feb;26(2):100992). This amino acid position is highly conserved in available vertebrate species. In addition, in silico predictors for this gene do not accurately predict pathogenicity. Based on the available evidence, the clinical significance of this variant remains unclear.

Labcorp Genetics (formerly Invitae), Labcorp
Classification: Uncertain significance for Familial adenomatous polyposis 1. Last evaluated: 2024-04-02. Review status: criteria provided, single submitter. Criteria: Invitae Variant Classification Sherloc (09022015). Collection method: clinical testing. Allele origin: germline.
Comment: This sequence change replaces aspartic acid, which is acidic and polar, with glycine, which is neutral and non-polar, at codon 1519 of the APC protein (p.Asp1519Gly). This variant is not present in population databases (gnomAD no frequency). This variant has not been reported in the literature in individuals affected with APC-related conditions. ClinVar contains an entry for this variant (Variation ID: 584672). Advanced modeling of protein sequence and biophysical properties (such as structural, functional, and spatial information, amino acid conservation, physicochemical variation, residue mobility, and thermodynamic stability) performed at Invitae indicates that this missense variant is not expected to disrupt APC protein function with a negative predictive value of 95%. In summary, the available evidence is currently insufficient to determine the role of this variant in disease. Therefore, it has been classified as a Variant of Uncertain Significance.

Color Diagnostics, LLC DBA Color Health
Classification: Uncertain significance for Hereditary cancer-predisposing syndrome. Last evaluated: 2024-03-06. Review status: criteria provided, single submitter. Criteria: ACMG Guidelines, 2015. Collection method: clinical testing. Allele origin: germline.
Comment: This missense variant replaces aspartic acid with glycine at codon 1519 of the APC protein. Computational prediction is inconclusive regarding the impact of this variant on protein structure and function (internally defined REVEL score threshold 0.5 < inconclusive < 0.7, PMID: 27666373). To our knowledge, functional studies have not been reported for this variant. This variant has not been reported in individuals affected with APC-related disorders in the literature. This variant has not been identified in the general population by the Genome Aggregation Database (gnomAD). The available evidence is insufficient to determine the role of this variant in disease conclusively. Therefore, this variant is classified as a Variant of Uncertain Significance.

All of Us Research Program, National Institutes of Health
Classification: Uncertain significance for Classic or attenuated familial adenomatous polyposis. Last evaluated: 2023-05-04. Review status: criteria provided, single submitter. Criteria: ACMG Guidelines, 2015. Collection method: clinical testing. Allele origin: germline. Inheritance: Autosomal dominant inheritance. Observed: 3 variant alleles, 3 heterozygotes.
Comment: This missense variant replaces aspartic acid with glycine at codon 1519 of the APC protein. Computational prediction is inconclusive regarding the impact of this variant on protein structure and function (internally defined REVEL score threshold 0.5 < inconclusive < 0.7, PMID: 27666373). To our knowledge, functional studies have not been reported for this variant. This variant has not been reported in individuals affected with APC-related disorders in the literature. This variant has not been identified in the general population by the Genome Aggregation Database (gnomAD). The available evidence is insufficient to determine the role of this variant in disease conclusively. Therefore, this variant is classified as a Variant of Uncertain Significance.

This study involves interpretation of variants in research participants for the purpose of population health screening. Participant phenotype was not available at the time of variant classification. Additional details can be found in publication PMID: 35346344, PMCID: PMC8962531

Mendelics
Classification: Uncertain significance for Familial adenomatous polyposis 1. Last evaluated: 2018-07-02. Review status: criteria provided, single submitter. Criteria: Mendelics Assertion Criteria 2017. Collection method: clinical testing. Allele origin: unknown.

NM_000038.6(APC):c.4556A>G (p.Asp1519Gly)

Gene: APC (APC regulator of Wnt signaling pathway; plus strand). Cytogenetic location: 5q22.2.
Variant type: single nucleotide variant.
Coding change: c.4556A>G on transcript NM_000038.6 (MANE Select); coding-DNA position 4556, A replaced by G.
Protein change: p.Asp1519Gly; replaces aspartic acid 1519 with glycine.
Molecular consequence: missense variant.
Genome position (GRCh38, 1-based): chr5:112,840,150, A>G. VCF-style: chr5-112840150-A-G. GRCh37 (hg19) VCF-style: chr5-112175847-A-G.
Other names: c.4556A>G, p.Asp1519Gly (NM_001127510.3, NM_001354895.2); c.4502A>G, p.Asp1501Gly (NM_001127511.3); c.4610A>G, p.Asp1537Gly (NM_001354896.2); c.4586A>G, p.Asp1529Gly (NM_001354897.2); c.4481A>G, p.Asp1494Gly (NM_001354898.2); c.4472A>G, p.Asp1491Gly (NM_001354899.2); c.4433A>G, p.Asp1478Gly (NM_001354900.2); c.4379A>G, p.Asp1460Gly (NM_001354901.2); and 5 more; short protein forms D1501G, D1519G, D1236G, D1418G, D1428G, D1460G, D1478G, D1537G.
Identifiers: ClinVar variation 584672 (VCV000584672.22), dbSNP rs1245649089, ClinGen allele CA16031305.